The following is an entry in ClinVar:

ClinVar aggregate classification (germline): Uncertain significance (1 of 4 stars; one submission).

Conditions:
Inborn genetic diseases. Identifiers: MedGen C0950123, MeSH D030342.

Allele frequency attached by ClinVar (database versions not stated): gnomAD exomes below 0.00001; gnomAD 0.00001.
gnomAD v4.1: 6 of 1,613,300 alleles (0.00037%); highest among the groups gnomAD compares: East Asian, 0.0022%; no homozygotes.

Submission:

Ambry Genetics
Classification: Uncertain significance for Inborn genetic diseases. Last evaluated: 2023-11-03. Review status: criteria provided, single submitter. Criteria: Ambry Variant Classification Scheme 2023. Collection method: clinical testing. Allele origin: germline.
Comment: The p.T474A variant (also known as c.1420A>G), located in coding exon 11 of the BUB1B gene, results from an A to G substitution at nucleotide position 1420. The threonine at codon 474 is replaced by alanine, an amino acid with similar properties. This amino acid position is conserved. In addition, this alteration is predicted to be tolerated by in silico analysis. Since supporting evidence is limited at this time, the clinical significance of this alteration remains unclear.

NM_001211.6(BUB1B):c.1420A>G (p.Thr474Ala)

Gene: BUB1B (BUB1 mitotic checkpoint serine/threonine kinase B; plus strand). Cytogenetic location: 15q15.1.
Variant type: single nucleotide variant.
Coding change: c.1420A>G on transcript NM_001211.6 (MANE Select); coding-DNA position 1420, A replaced by G.
Protein change: p.Thr474Ala; replaces threonine 474 with alanine.
Molecular consequence: missense variant.
Genome position (GRCh38, 1-based): chr15:40,200,262, A>G. VCF-style: chr15-40200262-A-G. GRCh37 (hg19) VCF-style: chr15-40492463-A-G.
Other names: short protein forms T474A.
Identifiers: ClinVar variation 3221348 (VCV003221348.1), dbSNP rs1450573514, ClinGen allele CA391689648.